The following is an entry in ClinVar:

ClinVar aggregate classification (germline): Uncertain significance. Review status: criteria provided, multiple submitters, no conflicts (2 of 4 stars). 2 submissions from 2 submitters: Uncertain significance (2). Last evaluated 2026-04-01.

Conditions:
PKD1-related disorder. Also called: PKD1-related condition.

Allele frequency attached by ClinVar (database versions not stated): gnomAD 0.00001; gnomAD exomes 0.00004; TOPMed 0.00004; ExAC 0.00016.
gnomAD v4.1: 52 of 1,528,986 alleles (0.0034%); highest among the groups gnomAD compares: South Asian, 0.012%; no homozygotes.

Submissions (2):

PreventionGenetics, part of Exact Sciences
Classification: Uncertain significance for PKD1-related condition. Last evaluated: 2026-04-01. Review status: criteria provided, single submitter. Criteria: ACMG Guidelines, 2015. Collection method: clinical testing. Allele origin: germline.
Comment: The PKD1 c.701C>T variant is predicted to result in the amino acid substitution p.Ala234Val. To our knowledge, this variant has not been reported in the literature. This variant is reported in 0.0071% of alleles in individuals of European (Non-Finnish) descent in gnomAD. Of note, a different substitution at the same codon, defined as c.700G>T (p.Ala234Ser), was reported in an individual with autosomal-dominant polycystic kidney disease (ADPKD) (Supplementary Data, Lindemann et al. 2023. PubMed ID: 36938073). At this time, the clinical significance of the c.701C>T (p.Ala234Val) variant is uncertain due to the absence of conclusive functional and genetic evidence.

Athena Diagnostics
Classification: Uncertain significance. Last evaluated: 2021-12-27. Review status: criteria provided, single submitter. Criteria: Athena Diagnostics Criteria. Collection method: clinical testing. Allele origin: unknown.

NM_001009944.3(PKD1):c.701C>T (p.Ala234Val)

Gene: PKD1 (polycystin 1, transient receptor potential channel interacting; minus strand). Cytogenetic location: 16p13.3.
Variant type: single nucleotide variant.
Coding change: c.701C>T on transcript NM_001009944.3 (MANE Select); coding-DNA position 701, C replaced by T.
Protein change: p.Ala234Val; replaces alanine 234 with valine.
Molecular consequence: missense variant.
Genome position (GRCh38, 1-based): chr16:2,118,291, G>A on the plus strand (C>T on the coding strand, the complement: PKD1 is on the minus strand). VCF-style: chr16-2118291-G-A. GRCh37 (hg19) VCF-style: chr16-2168292-G-A.
Other names: c.701C>T, p.Ala234Val (NM_000296.4); short protein forms A234V.
Identifiers: ClinVar variation 1807313 (VCV001807313.2), dbSNP rs755011173, ClinGen allele CA7833685.
Genomic context (GRCh38, chr16:2,118,291, plus strand): 5'-GGTGGCGGGGGGCCGGAGCAGAGGGACAGGCAGGCAAAGGAGGCACTGGAGGGCTGGGCC[G>A]CCCCACACAGGCACCAGCCCTGCTCCGAGAGGGCTGCGAGGCCCTGGCCGGTGGAGAAGC-3'
Protein context (NP_001009944.3, residues 224-244): LSEQGWCLCG[Ala234Val]AQPSSASFAC